The following is an entry in ClinVar:

ClinVar aggregate classification (germline): Uncertain significance (1 of 4 stars; one submission).

Conditions:
Severe combined immunodeficiency due to IKK2 deficiency. Also called: Immunodeficiency 15; IMMUNODEFICIENCY 15B. Identifiers: Orphanet 397787, MedGen C4747743, MONDO:0014267, OMIM 615592.

Allele frequency attached by ClinVar (database versions not stated): gnomAD exomes below 0.00001.
gnomAD v4.1: 2 of 1,614,066 alleles (0.00012%); highest among the groups gnomAD compares: Non-Finnish European, 0.00017%; no homozygotes.

Submission:

Labcorp Genetics (formerly Invitae), Labcorp
Classification: Uncertain significance for Severe combined immunodeficiency due to IKK2 deficiency. Last evaluated: 2022-10-13. Review status: criteria provided, single submitter. Criteria: Invitae Variant Classification Sherloc (09022015). Collection method: clinical testing. Allele origin: germline.
Comment: This variant is not present in population databases (gnomAD no frequency). This sequence change affects codon 122 of the IKBKB mRNA. It is a 'silent' change, meaning that it does not change the encoded amino acid sequence of the IKBKB protein. This variant has not been reported in the literature in individuals affected with IKBKB-related conditions. In summary, the available evidence is currently insufficient to determine the role of this variant in disease. Therefore, it has been classified as a Variant of Uncertain Significance. Algorithms developed to predict the effect of sequence changes on RNA splicing suggest that this variant may disrupt the consensus splice site.

NM_001556.3(IKBKB):c.366C>T (p.Ile122=)

Genes: IKBKB (inhibitor of nuclear factor kappa B kinase subunit beta; plus strand), LOC126860373 (CDK7 strongly-dependent group 2 enhancer GRCh37_chr8:42150166-42151365; plus strand). Cytogenetic location: 8p11.21.
Variant type: single nucleotide variant.
Coding change: c.366C>T on transcript NM_001556.3 (MANE Select); coding-DNA position 366, C replaced by T.
Protein change: p.Ile122=; no amino-acid change (isoleucine 122 retained).
Molecular consequence: synonymous variant. On other transcripts: non-coding transcript variant (3).
Genome position (GRCh38, 1-based): chr8:42,293,490, C>T. VCF-style: chr8-42293490-C-T. GRCh37 (hg19) VCF-style: chr8-42151008-C-T.
Other names: c.174C>T, p.Ile58= (NM_001190720.3); c.189C>T, p.Ile63= (NM_001242778.2).
Identifiers: ClinVar variation 2116588 (VCV002116588.4), dbSNP rs2487343763, ClinGen allele CA460558337.